The following is an entry in ClinVar:

NM_015559.3(SETBP1):c.4424T>C (p.Leu1475Pro)

Gene: SETBP1 (SET binding protein 1; plus strand). Cytogenetic location: 18q12.3.
Variant type: single nucleotide variant.
Coding change: c.4424T>C on transcript NM_015559.3 (MANE Select); coding-DNA position 4424, T replaced by C.
Protein change: p.Leu1475Pro; replaces leucine 1475 with proline.
Molecular consequence: missense variant.
Genome position (GRCh38, 1-based): chr18:45,063,331, T>C. VCF-style: chr18-45063331-T-C. GRCh37 (hg19) VCF-style: chr18-42643296-T-C.
Other names: c.4424T>C, p.Leu1475Pro (NM_001379141.1, NM_001379142.1); c.4253T>C, p.Leu1418Pro (NM_001410862.1); short protein forms L1418P, L1475P.
Identifiers: ClinVar variation 2129966 (VCV002129966.4), dbSNP rs1397607390, ClinGen allele CA402483378.

ClinVar aggregate classification (germline): Uncertain significance (1 of 4 stars; one submission).

Allele frequency attached by ClinVar (database versions not stated): TOPMed below 0.00001.

Submission:

Labcorp Genetics (formerly Invitae), Labcorp
Classification: Uncertain significance. Last evaluated: 2022-04-24. Review status: criteria provided, single submitter. Criteria: Invitae Variant Classification Sherloc (09022015). Collection method: clinical testing. Allele origin: germline.
Comment: This sequence change replaces leucine, which is neutral and non-polar, with proline, which is neutral and non-polar, at codon 1475 of the SETBP1 protein (p.Leu1475Pro). The frequency data for this variant in the population databases is considered unreliable, as metrics indicate poor data quality at this position in the gnomAD database. In summary, the available evidence is currently insufficient to determine the role of this variant in disease. Therefore, it has been classified as a Variant of Uncertain Significance. Algorithms developed to predict the effect of missense changes on protein structure and function are either unavailable or do not agree on the potential impact of this missense change (SIFT: "Deleterious"; PolyPhen-2: "Probably Damaging"; Align-GVGD: "Class C0"). This variant has not been reported in the literature in individuals affected with SETBP1-related conditions.